The following is an entry in ClinVar:

ClinVar aggregate classification (germline): Uncertain significance (1 of 4 stars; one submission).

Conditions:
Autosomal dominant childhood-onset proximal spinal muscular atrophy with contractures (SMALED2A). Also called: Spinal muscular atrophy, lower extremity-predominant, 2A, autosomal dominant; SPINAL MUSCULAR ATROPHY, LOWER EXTREMITY-PREDOMINANT, 2A, CHILDHOOD ONSET, AUTOSOMAL DOMINANT. Identifiers: Orphanet 363447, Orphanet 363454, MedGen C4747715, MONDO:0014121, OMIM 615290.

Submission:

Labcorp Genetics (formerly Invitae), Labcorp
Classification: Uncertain significance for Autosomal dominant childhood-onset proximal spinal muscular atrophy with contractures. Last evaluated: 2023-12-13. Review status: criteria provided, single submitter. Criteria: Invitae Variant Classification Sherloc (09022015). Collection method: clinical testing. Allele origin: germline.
Comment: This variant, c.1204_1221del, results in the deletion of 6 amino acid(s) of the BICD2 protein (p.Ala402_Gln407del), but otherwise preserves the integrity of the reading frame. This variant is present in population databases (no rsID available, gnomAD 0.003%). This variant has not been reported in the literature in individuals affected with BICD2-related conditions. Experimental studies and prediction algorithms are not available or were not evaluated, and the functional significance of this variant is currently unknown. In summary, the available evidence is currently insufficient to determine the role of this variant in disease. Therefore, it has been classified as a Variant of Uncertain Significance.

NM_001003800.2(BICD2):c.1204_1221del (p.Ala402_Gln407del)

Gene: BICD2 (BICD cargo adaptor 2; minus strand). Cytogenetic location: 9q22.31.
Variant type: Deletion.
Coding change: c.1204_1221del on transcript NM_001003800.2 (MANE Select); coding-DNA positions 1204 to 1221, 18 bases deleted (GCCAGCAAGGAGCGGCAG).
Protein change: p.Ala402_Gln407del.
Molecular consequence: inframe deletion.
Genome position (GRCh38, 1-based): chr9:92,719,424-92,719,441, CTGCCGCTCCTTGCTGGC deleted on the plus strand (GCCAGCAAGGAGCGGCAG on the coding strand, the reverse complement: BICD2 is on the minus strand); deleting any 18 consecutive bases within chr9:92,719,424-92,719,445 gives the same sequence; the c. name uses the placement nearest the transcript's 3' end. VCF-style (leftmost placement, unchanged base first): chr9-92719423-TCTGCCGCTCCTTGCTGGC-T. GRCh37 (hg19) VCF-style: chr9-95481705-TCTGCCGCTCCTTGCTGGC-T.
Other names: c.1204_1221del, p.Ala402_Gln407del (NM_015250.4).
Identifiers: ClinVar variation 2874483 (VCV002874483.2), dbSNP rs1399609525, ClinGen allele CA589579162.
Genomic context (GRCh38, chr9:92,719,423, plus strand): 5'-CCACCTCGTAGTAGTCCCCATCCTCATGGCTGTCACGGTCCTTCTCGTTGTCCAGGGCTG[TCTGCCGCTCCTTGCTGGC>T]CTGCAGGCGCCGCAGGGCACTCAGATTCTCTGTGAGGCGGGTCACCTTCTCCTGCTGTTC-3'